The following is an entry in ClinVar:

NM_000090.4(COL3A1):c.3885T>A (p.Asn1295Lys)

Gene: COL3A1 (collagen type III alpha 1 chain; plus strand). Cytogenetic location: 2q32.2.
Variant type: single nucleotide variant.
Coding change: c.3885T>A on transcript NM_000090.4 (MANE Select); coding-DNA position 3885, T replaced by A.
Protein change: p.Asn1295Lys; replaces asparagine 1295 with lysine.
Molecular consequence: missense variant.
Genome position (GRCh38, 1-based): chr2:189,010,239, T>A. VCF-style: chr2-189010239-T-A. GRCh37 (hg19) VCF-style: chr2-189874965-T-A.
Other names: short protein forms N1295K.
Identifiers: ClinVar variation 3015080 (VCV003015080.5), dbSNP rs750772297, ClinGen allele CA076339.

ClinVar aggregate classification (germline): Uncertain significance. Review status: criteria provided, multiple submitters, no conflicts (2 of 4 stars). 3 submissions from 3 submitters: Uncertain significance (3). Last evaluated 2023-12-01.

Conditions:
Ehlers-Danlos syndrome, type 4 (EDSVASC). Also called: Ehlers-Danlos Syndrome Type IV; Ehlers-Danlos syndrome vascular type; Ehlers Danlos syndrome, ecchymotic type; Ehlers Danlos syndrome, arterial type; Ehlers Danlos syndrome, Sack-Barabas type. Identifiers: Orphanet 286, MedGen C0268338, MONDO:0017314, OMIM 130050.

gnomAD v4.1: 2 of 1,614,176 alleles (0.00012%); highest among the groups gnomAD compares: Non-Finnish European, 0.00017%; no homozygotes.

Submissions (3):

All of Us Research Program, National Institutes of Health
Classification: Uncertain significance for Ehlers-Danlos syndrome, type 4. Last evaluated: 2023-12-01. Review status: criteria provided, single submitter. Criteria: ACMG Guidelines, 2015. Collection method: clinical testing. Allele origin: germline. Inheritance: Autosomal dominant inheritance. Observed: 2 variant alleles, 2 heterozygotes.
Comment: This study involves interpretation of variants in research participants for the purpose of population health screening. Participant phenotype was not available at the time of variant classification. Additional details can be found in publication PMID: 35346344, PMCID: PMC8962531

Labcorp Genetics (formerly Invitae), Labcorp
Classification: Uncertain significance for Ehlers-Danlos syndrome, type 4. Last evaluated: 2023-09-24. Review status: criteria provided, single submitter. Criteria: Invitae Variant Classification Sherloc (09022015). Collection method: clinical testing. Allele origin: germline.
Comment: In summary, the available evidence is currently insufficient to determine the role of this variant in disease. Therefore, it has been classified as a Variant of Uncertain Significance. Advanced modeling of protein sequence and biophysical properties (such as structural, functional, and spatial information, amino acid conservation, physicochemical variation, residue mobility, and thermodynamic stability) performed at Invitae indicates that this missense variant is not expected to disrupt COL3A1 protein function. This variant has not been reported in the literature in individuals affected with COL3A1-related conditions. This variant is present in population databases (rs750772297, gnomAD 0.0009%). This sequence change replaces asparagine, which is neutral and polar, with lysine, which is basic and polar, at codon 1295 of the COL3A1 protein (p.Asn1295Lys).

Blueprint Genetics
Classification: Uncertain significance. Last evaluated: 2021-08-04. Review status: criteria provided, single submitter. Criteria: ACMG Guidelines, 2015. Collection method: clinical testing. Allele origin: germline.